The following is an entry in ClinVar:

ClinVar aggregate classification (germline): Pathogenic. Review status: criteria provided, multiple submitters, no conflicts (2 of 4 stars). 8 submissions from 8 submitters: Pathogenic (6). 2 of the submissions do not count toward it. Last evaluated 2026-08-12.

Conditions:
AGXT-related disorder. Also called: AGXT-related condition.
Primary hyperoxaluria. Identifiers: Orphanet 416, MedGen C0020501, MONDO:0002474.
Primary hyperoxaluria, type I (HP1). Also called: Primary hyperoxaluria type 1; GLYCOLIC ACIDURIA; HEPATIC AGT DEFICIENCY; OXALOSIS I. Identifiers: Orphanet 416, Orphanet 93598, MedGen C0268164, MONDO:0009823, OMIM 259900. Disease mechanism: loss of function.

Allele frequency attached by ClinVar (database versions not stated): gnomAD 0.00001; ExAC 0.00002; gnomAD exomes 0.00002 and 0.00003; TOPMed 0.00002.
gnomAD v4.1: 47 of 1,614,076 alleles (0.0029%); highest among the groups gnomAD compares: Non-Finnish European, 0.0039%; no homozygotes.

Submissions (8):

PreventionGenetics, part of Exact Sciences
Classification: Pathogenic for AGXT-related condition. Last evaluated: 2026-08-12. Review status: criteria provided, single submitter. Criteria: ACMG Guidelines, 2015. Collection method: clinical testing. Allele origin: germline.
Comment: The AGXT c.777-1G>C variant is predicted to disrupt the AG splice acceptor site and interfere with normal splicing. This variant (also referred to as IVS7-1G>C) has been reported in the compound heterozygous state in many individuals with hyperoxaluria (Coulter-Mackie et al. 2004. PubMed ID: 15110324; Monico et al. 2007. PubMed ID: 17460142; Williams et al. 2015. PubMed ID: 25629080). This variant is reported in 0.0035% of alleles in individuals of European (Non-Finnish) descent in gnomAD. Variants that disrupt the consensus splice acceptor site in AGXT are expected to be pathogenic. This variant is interpreted as pathogenic.

Natera, Inc.
Classification: Pathogenic for Primary hyperoxaluria type I. Last evaluated: 2024-11-19. Review status: criteria provided, single submitter. Criteria: Natera Variant Classification Schema (03/2026). Collection method: clinical testing. Allele origin: germline.
Comment: The c.777-1G>C variant in AGXT is a canonical splice acceptor site variant predicted to affect pre-mRNA splicing, which may result in an abnormal transcript and altered protein product. This variant is expected to result in nonsense mediated decay, truncation, or a dysfunctional protein product. This variant is rare in the general population with a frequency below the threshold expected for the associated phenotype(s). This variant has been observed in one or more individuals affected with the associated recessive disease, as either homozygous or compound heterozygous with a second variant (PMID: 15963748). Given the available evidence, this variant is classified as Pathogenic.

Blueprint Genetics
Classification: Pathogenic for AGXT-related disorders. Last evaluated: 2024-10-24. Review status: criteria provided, single submitter. Criteria: ACMG Guidelines, 2015. Collection method: clinical testing. Allele origin: germline. Affected: yes. Observed: 5 variant alleles.

Labcorp Genetics (formerly Invitae), Labcorp
Classification: Pathogenic. Last evaluated: 2024-04-01. Review status: criteria provided, single submitter. Criteria: Invitae Variant Classification Sherloc (09022015). Collection method: clinical testing. Allele origin: germline.
Comment: This sequence change affects an acceptor splice site in intron 7 of the AGXT gene. It is expected to disrupt RNA splicing. Variants that disrupt the donor or acceptor splice site typically lead to a loss of protein function (PMID: 16199547), and loss-of-function variants in AGXT are known to be pathogenic (PMID: 19479957). This variant is present in population databases (rs180177267, gnomAD 0.004%). Disruption of this splice site has been observed in individual(s) with primary hyperoxaluria type 1 (PMID: 15110324, 15963748, 17460142, 25629080). ClinVar contains an entry for this variant (Variation ID: 188774). Algorithms developed to predict the effect of sequence changes on RNA splicing suggest that this variant may disrupt the consensus splice site. For these reasons, this variant has been classified as Pathogenic.

Fulgent Genetics
Classification: Pathogenic for Primary hyperoxaluria, type I. Last evaluated: 2023-12-27. Review status: criteria provided, single submitter. Criteria: ACMG Guidelines, 2015. Collection method: clinical testing. Allele origin: germline.

Women's Health and Genetics/Laboratory Corporation of America, LabCorp
Classification: Pathogenic for Primary hyperoxaluria. Last evaluated: 2019-06-03. Review status: criteria provided, single submitter. Criteria: LabCorp Variant Classification Summary - May 2015. Collection method: clinical testing. Allele origin: germline.
Comment: Variant summary: AGXT c.777-1G>C is located in a canonical splice-site and is predicted to affect mRNA splicing resulting in a significantly altered protein due to either exon skipping, shortening, or inclusion of intronic material. Several computational tools predict a significant impact on normal splicing: Five predict the variant abolishes a 3 acceptor site. However, these predictions have yet to be confirmed by functional studies. The variant allele was found at a frequency of 1.6e-05 in 251268 control chromosomes (gnomAD). The variant, c.777-1G>C, has been reported in the literature in multiple individuals affected with Primary Hyperoxaluria Type 1 (Coulter-Mackie_2004, Coulter-Mackie_2005, Monico_2007, Williams_2015). These data indicate that the variant is very likely to be associated with disease. At least one publication, Coulter-Mackie_2004, reports AGT activity of this variant from a patients liver biopsy was <10% of normal activity. One ClinVar submission from other clinical diagnostic laboratories (evaluation after 2014) cites the variant as pathogenic. Based on the evidence outlined above, the variant was classified as pathogenic.

Clinical Biochemistry Laboratory, Health Services Laboratory
Classification: Pathogenic for Primary hyperoxaluria, type I. Last evaluated: 2014-11-27. Review status: no assertion criteria provided. Collection method: research. Allele origin: germline. Affected: yes. Not counted in ClinVar's aggregate classification.

Counsyl
Classification: Likely pathogenic for Primary hyperoxaluria, type I. Last evaluated: 2014-05-01. Review status: no assertion criteria provided. Collection method: literature only. Allele origin: unknown. Inheritance: Autosomal recessive inheritance. Not counted in ClinVar's aggregate classification.

Literature cited by the submitters: PubMed 15963748 (cited by 4 submitters); PubMed 16199547 (cited by Labcorp Genetics (formerly Invitae), Labcorp); PubMed 19479957 (cited by Labcorp Genetics (formerly Invitae), Labcorp and Women's Health and Genetics/Laboratory Corporation of America, LabCorp); PubMed 15110324 (cited by 4 submitters); PubMed 17460142 (cited by 3 submitters); PubMed 25629080 (cited by Labcorp Genetics (formerly Invitae), Labcorp and Women's Health and Genetics/Laboratory Corporation of America, LabCorp); PubMed 18282470 (cited by Women's Health and Genetics/Laboratory Corporation of America, LabCorp); PubMed 15464418 (cited by Women's Health and Genetics/Laboratory Corporation of America, LabCorp).

NM_000030.3(AGXT):c.777-1G>C

Gene: AGXT (alanine--glyoxylate aminotransferase; plus strand). Cytogenetic location: 2q37.3.
Variant type: single nucleotide variant.
Coding change: c.777-1G>C on transcript NM_000030.3 (MANE Select); the canonical splice acceptor site of the intron before coding-DNA position 777, G replaced by C.
Molecular consequence: splice acceptor variant.
Genome position (GRCh38, 1-based): chr2:240,875,934, G>C. VCF-style: chr2-240875934-G-C. GRCh37 (hg19) VCF-style: chr2-241815351-G-C.
Identifiers: ClinVar variation 188774 (VCV000188774.25), dbSNP rs180177267, ClinGen allele CA273941.